The following is an entry in ClinVar:

NM_001080449.3(DNA2):c.223G>C (p.Glu75Gln)

Gene: DNA2 (DNA replication helicase/nuclease 2; minus strand). Cytogenetic location: 10q21.3.
Variant type: single nucleotide variant.
Coding change: c.223G>C on transcript NM_001080449.3 (MANE Select); coding-DNA position 223, G replaced by C.
Protein change: p.Glu75Gln; replaces glutamic acid 75 with glutamine.
Molecular consequence: missense variant. On other transcripts: non-coding transcript variant (1).
Genome position (GRCh38, 1-based): chr10:68,470,015, C>G on the plus strand (G>C on the coding strand, the complement: DNA2 is on the minus strand). VCF-style: chr10-68470015-C-G. GRCh37 (hg19) VCF-style: chr10-70229772-C-G.
Other names: short protein forms E75Q.
Identifiers: ClinVar variation 2849177 (VCV002849177.3), dbSNP rs2494019043, ClinGen allele CA376831593.

ClinVar aggregate classification (germline): Uncertain significance (1 of 4 stars; one submission).

Submission:

Labcorp Genetics (formerly Invitae), Labcorp
Classification: Uncertain significance. Last evaluated: 2023-05-09. Review status: criteria provided, single submitter. Criteria: Invitae Variant Classification Sherloc (09022015). Collection method: clinical testing. Allele origin: germline.
Comment: In summary, the available evidence is currently insufficient to determine the role of this variant in disease. Therefore, it has been classified as a Variant of Uncertain Significance. Advanced modeling of protein sequence and biophysical properties (such as structural, functional, and spatial information, amino acid conservation, physicochemical variation, residue mobility, and thermodynamic stability) performed at Invitae indicates that this missense variant is not expected to disrupt DNA2 protein function. This variant has not been reported in the literature in individuals affected with DNA2-related conditions. This variant is not present in population databases (gnomAD no frequency). This sequence change replaces glutamic acid, which is acidic and polar, with glutamine, which is neutral and polar, at codon 75 of the DNA2 protein (p.Glu75Gln).